The following is an entry in ClinVar:

NM_182961.4(SYNE1):c.6128del (p.Lys2043fs)

Gene: SYNE1 (spectrin repeat containing nuclear envelope protein 1; minus strand). Cytogenetic location: 6q25.2.
Variant type: Deletion.
Coding change: c.6128del on transcript NM_182961.4 (MANE Select); coding-DNA position 6128, one base deleted (A; older notation c.6128delA).
Protein change: p.Lys2043fs; shifts the reading frame from lysine 2043.
Molecular consequence: frameshift variant.
Genome position (GRCh38, 1-based): chr6:152,413,454, T deleted on the plus strand (A on the coding strand, the reverse complement: SYNE1 is on the minus strand); the first of 2 consecutive T bases (chr6:152,413,454-152,413,455); deleting either gives the same sequence. VCF-style (leftmost placement, unchanged base first): chr6-152413453-CT-C. GRCh37 (hg19) VCF-style: chr6-152734588-CT-C.
Other names: c.6149del, p.Lys2050fs (NM_033071.5); short protein forms K2043fs, K2050fs.
Identifiers: ClinVar variation 3751668 (VCV003751668.2).

ClinVar aggregate classification (germline): Pathogenic (1 of 4 stars; one submission).

Conditions:
Emery-Dreifuss muscular dystrophy 4, autosomal dominant (EDMD4). Also called: EMERY-DREIFUSS MUSCULAR DYSTROPHY 4 WITH VARIABLE FEATURES. Identifiers: Orphanet 261, MedGen C2751807, MONDO:0013071, OMIM 612998.
Autosomal recessive ataxia, Beauce type. Also called: Spinocerebellar ataxia, autosomal recessive 8; ATAXIA, RECESSIVE, OF BEAUCE; SYNE1-Related Autosomal Recessive Cerebellar Ataxia; SYNE1 Deficiency. Identifiers: Orphanet 88644, MedGen C1853116, MONDO:0012549, OMIM 610743.

Submission:

Labcorp Genetics (formerly Invitae), Labcorp
Classification: Pathogenic for Emery-Dreifuss muscular dystrophy 4, autosomal dominant; Autosomal recessive ataxia, Beauce type. Last evaluated: 2024-07-24. Review status: criteria provided, single submitter. Criteria: Invitae Variant Classification Sherloc (09022015). Collection method: clinical testing. Allele origin: germline.
Comment: This sequence change creates a premature translational stop signal (p.Lys2050Serfs*8) in the SYNE1 gene. It is expected to result in an absent or disrupted protein product. Loss-of-function variants in SYNE1 are known to be pathogenic (PMID: 19542096, 24319099, 27086870). This variant is present in population databases (rs778590685, gnomAD 0.007%). This variant has not been reported in the literature in individuals affected with SYNE1-related conditions. For these reasons, this variant has been classified as Pathogenic.

Literature cited by the submitters: PubMed 19542096; PubMed 24319099; PubMed 27086870.